The following is an entry in ClinVar:

ClinVar aggregate classification (germline): Uncertain significance (1 of 4 stars; one submission).

Conditions:
Hereditary cancer-predisposing syndrome. Also called: Hereditary Cancer Syndrome; Hereditary neoplastic syndrome; Tumor predisposition; Neoplastic Syndromes, Hereditary. Identifiers: Orphanet 140162, MedGen C0027672, MeSH D009386, MONDO:0015356.

Submission:

Ambry Genetics
Classification: Uncertain significance for Hereditary cancer-predisposing syndrome. Last evaluated: 2022-01-25. Review status: criteria provided, single submitter. Criteria: Ambry Variant Classification Scheme 2023. Collection method: clinical testing. Allele origin: germline.
Comment: The p.W777L variant (also known as c.2330G>T), located in coding exon 4 of the MSH6 gene, results from a G to T substitution at nucleotide position 2330. The tryptophan at codon 777 is replaced by leucine, an amino acid with similar properties. This amino acid position is highly conserved in available vertebrate species. In addition, this alteration is predicted to be deleterious by in silico analysis. Since supporting evidence is limited at this time, the clinical significance of this alteration remains unclear.

NM_000179.3(MSH6):c.2330G>T (p.Trp777Leu)

Gene: MSH6 (mutS homolog 6; plus strand). Cytogenetic location: 2p16.3.
Variant type: single nucleotide variant.
Coding change: c.2330G>T on transcript NM_000179.3 (MANE Select); coding-DNA position 2330, G replaced by T.
Protein change: p.Trp777Leu; replaces tryptophan 777 with leucine.
Molecular consequence: missense variant.
Genome position (GRCh38, 1-based): chr2:47,800,313, G>T. VCF-style: chr2-47800313-G-T. GRCh37 (hg19) VCF-style: chr2-48027452-G-T.
Other names: c.1940G>T, p.Trp647Leu (NM_001281492.2); c.1424G>T, p.Trp475Leu (NM_001281493.2, NM_001281494.2, NM_001406811.1 and 6 more transcripts); c.2426G>T, p.Trp809Leu (NM_001406795.1, NM_001406802.1); c.2330G>T, p.Trp777Leu (NM_001406796.1, NM_001406798.1, NM_001406800.1 and 2 more transcripts); c.2033G>T, p.Trp678Leu (NM_001406797.1, NM_001406801.1, NM_001406805.1 and 10 more transcripts); c.1805G>T, p.Trp602Leu (NM_001406799.1, NM_001406806.1, NM_001406807.1); c.2252G>T, p.Trp751Leu (NM_001406804.1); c.2336G>T, p.Trp779Leu (NM_001406813.1); and 1 more; short protein forms W475L, W602L, W809L, W678L, W777L, W647L, W721L, W751L.
Identifiers: ClinVar variation 1789720 (VCV001789720.2), dbSNP rs587779234, ClinGen allele CA346753343.
Genomic context (GRCh38, chr2:47,800,313, plus strand): 5'-CCCTACTAGAGAGGGTTGATACTTGCCATACTCCTTTTGGTAAGCGGCTCCTAAAGCAAT[G>T]GCTTTGTGCCCCACTCTGTAACCATTATGCTATTAATGATCGTCTAGATGCCATAGAAGA-3'
Protein context (NP_000170.1, residues 767-787): TPFGKRLLKQ[Trp777Leu]LCAPLCNHYA